The following is an entry in ClinVar:

ClinVar aggregate classification (germline): Uncertain significance (1 of 4 stars; one submission).

Allele frequency attached by ClinVar (database versions not stated): TOPMed below 0.00001.

Submission:

Labcorp Genetics (formerly Invitae), Labcorp
Classification: Uncertain significance. Last evaluated: 2021-02-19. Review status: criteria provided, single submitter. Criteria: Invitae Variant Classification Sherloc (09022015). Collection method: clinical testing. Allele origin: germline.
Comment: This sequence change replaces proline with serine at codon 402 of the MYLK3 protein (p.Pro402Ser). The proline residue is moderately conserved and there is a moderate physicochemical difference between proline and serine. This variant is not present in population databases (ExAC no frequency). This variant has not been reported in the literature in individuals with MYLK3-related conditions. Algorithms developed to predict the effect of missense changes on protein structure and function (SIFT, PolyPhen-2, Align-GVGD) all suggest that this variant is likely to be tolerated, but these predictions have not been confirmed by published functional studies and their clinical significance is uncertain. In summary, the available evidence is currently insufficient to determine the role of this variant in disease. Therefore, it has been classified as a Variant of Uncertain Significance.

NM_182493.3(MYLK3):c.1204C>T (p.Pro402Ser)

Gene: MYLK3 (myosin light chain kinase 3; minus strand). Cytogenetic location: 16q11.2.
Variant type: single nucleotide variant.
Coding change: c.1204C>T on transcript NM_182493.3 (MANE Select); coding-DNA position 1204, C replaced by T.
Protein change: p.Pro402Ser; replaces proline 402 with serine.
Molecular consequence: missense variant.
Genome position (GRCh38, 1-based): chr16:46,732,466, G>A on the plus strand (C>T on the coding strand, the complement: MYLK3 is on the minus strand). VCF-style: chr16-46732466-G-A. GRCh37 (hg19) VCF-style: chr16-46766378-G-A.
Other names: c.181C>T, p.Pro61Ser (NM_001308301.1); short protein forms P402S, P61S.
Identifiers: ClinVar variation 1469526 (VCV001469526.8), dbSNP rs773142348, ClinGen allele CA395792604.